The following is an entry in ClinVar:

ClinVar aggregate classification (germline): Pathogenic (1 of 4 stars; one submission).

Conditions:
Neurofibromatosis, type 1 (NF1). Also called: VON RECKLINGHAUSEN DISEASE; NEUROFIBROMATOSIS, TYPE I, SOMATIC; Peripheral type neurofibromatosis; Neurofibromatosis, type I. Identifiers: Orphanet 636, MedGen C0027831, MONDO:0018975, OMIM 162200. Disease mechanism: loss of function.

Submission:

Labcorp Genetics (formerly Invitae), Labcorp
Classification: Pathogenic for Neurofibromatosis, type 1. Last evaluated: 2023-09-04. Review status: criteria provided, single submitter. Criteria: Invitae Variant Classification Sherloc (09022015). Collection method: clinical testing. Allele origin: germline.
Comment: Information on the frequency of this variant in the gnomAD database is not available, as this variant may be reported differently in the database. This sequence change replaces arginine, which is basic and polar, with threonine, which is neutral and polar, at codon 1391 of the NF1 protein (p.Arg1391Thr). A different variant (c.4172G>C) giving rise to the same protein effect has been determined to be pathogenic (PMID: 24789688, 27322474; Invitae). This suggests that this variant is also likely to be causative of disease. An algorithm developed to predict the effect of missense changes on protein structure and function (PolyPhen-2) suggests that this variant is likely to be tolerated. This variant disrupts the p.Arg1391 amino acid residue in NF1. Other variant(s) that disrupt this residue have been determined to be pathogenic (PMID: 7581973, 9003501, 16513807, 22807134, 27322474). This suggests that this residue is clinically significant, and that variants that disrupt this residue are likely to be disease-causing. For these reasons, this variant has been classified as Pathogenic.

Literature cited by the submitters: PubMed 24789688; PubMed 27322474; PubMed 7581973; PubMed 9003501; PubMed 16513807; PubMed 22807134.

NM_001042492.3(NF1):c.4235_4236delinsCT (p.Arg1412Thr)

Gene: NF1 (neurofibromin 1; plus strand). Cytogenetic location: 17q11.2.
Variant type: Indel.
Coding change: c.4235_4236delinsCT on transcript NM_001042492.3 (MANE Select); coding-DNA positions 4235 to 4236, GA replaced by CT.
Protein change: p.Arg1412Thr; replaces arginine 1412 with threonine.
Molecular consequence: missense variant.
Genome position (GRCh38, 1-based): chr17:31,258,405-31,258,406, GA replaced by CT. VCF-style: chr17-31258405-GA-CT. GRCh37 (hg19) VCF-style: chr17-29585423-GA-CT.
Other names: c.4172_4173delGAinsCT, p.Arg1391Thr (NM_000267.4); short protein forms R1391T, R1412T.
Identifiers: ClinVar variation 2757795 (VCV002757795.3), dbSNP rs2508408497, ClinGen allele CA2697559741.
Genomic context (GRCh38, chr17:31,258,405, plus strand): 5'-TGGTTAGCCAGCGTTTCCCTCAGAACAGCATCGGTGCAGTAGGAAGTGCCATGTTCCTCA[GA>CT]TTTATCAATCCTGCCATTGTCTCACCGTATGAAGCAGGGATTTTAGATAAAAAGCCACCA-3'
Protein context (NP_001035957.1, residues 1402-1422): IGAVGSAMFL[Arg1412Thr]FINPAIVSPY